The following is an entry in ClinVar:

ClinVar aggregate classification (germline): Likely benign (1 of 4 stars; one submission).

Allele frequency attached by ClinVar (database versions not stated): gnomAD 0.00001; TOPMed 0.00001.
gnomAD v4.1: 1 of 1,613,138 alleles (0.000062%); highest among the groups gnomAD compares: Admixed American, 0.0017%; no homozygotes.

Submission:

GeneDx
Classification: Likely benign. Last evaluated: 2017-06-20. Review status: criteria provided, single submitter. Criteria: GeneDx Variant Classification (06012015). Collection method: clinical testing. Allele origin: germline. Affected: yes.
Comment: This variant is considered likely benign or benign based on one or more of the following criteria: it is a conservative change, it occurs at a poorly conserved position in the protein, it is predicted to be benign by multiple in silico algorithms, and/or has population frequency not consistent with disease.

NM_001386795.1(DTNA):c.708T>C (p.Asn236=)

Gene: DTNA (dystrobrevin alpha; plus strand). Cytogenetic location: 18q12.1.
Variant type: single nucleotide variant.
Coding change: c.708T>C on transcript NM_001386795.1 (MANE Select); coding-DNA position 708, T replaced by C.
Protein change: p.Asn236=; no amino-acid change (asparagine 236 retained).
Molecular consequence: synonymous variant. On other transcripts: intron variant (1).
Genome position (GRCh38, 1-based): chr18:34,816,013, T>C. VCF-style: chr18-34816013-T-C. GRCh37 (hg19) VCF-style: chr18-32395977-T-C.
Other names: c.708T>C, p.Asn236= (NM_001128175.2, NM_001198938.2, NM_001198939.2 and 34 more transcripts); c.603+3900T>C (NM_001198945.2).
Identifiers: ClinVar variation 518076 (VCV000518076.1), dbSNP rs1432704587, ClinGen allele CA503617656.
Genomic context (GRCh38, chr18:34,816,013, plus strand): 5'-TCCTCCCCCGCAGTGTCTGGTCTGGTTGCCTCTTCTGCATCGACTAGCAAATGTGGAAAA[T>C]GGTGAGTAGTTACTAAGGAGCAAAGGTGATTTTTTAAATTATTGAAATTAGGCCATTAGT-3'
Protein context (NP_001373724.1, residues 226-246): PLLHRLANVE[Asn236=]VFHPVECSYC